The following is an entry in ClinVar:

ClinVar aggregate classification (germline): Likely pathogenic (1 of 4 stars; one submission).

Conditions:
Mucopolysaccharidosis, MPS-IV-A (MPS4A). Also called: MPS IVA; GALACTOSAMINE-6-SULFATASE DEFICIENCY; GALNS DEFICIENCY; MORQUIO A DISEASE; Morquio syndrome A, mild; MORQUIO SYNDROME A. Identifiers: Orphanet 309297, Orphanet 582, MedGen C0086651, MONDO:0009659, OMIM 253000.

Allele frequency attached by ClinVar (database versions not stated): gnomAD exomes below 0.00001; gnomAD 0.00001; TOPMed 0.00002.
gnomAD v4.1: 3 of 1,613,048 alleles (0.00019%); highest among the groups gnomAD compares: African/African-American, 0.004%; no homozygotes.

Submission:

Labcorp Genetics (formerly Invitae), Labcorp
Classification: Likely pathogenic for Mucopolysaccharidosis, MPS-IV-A. Last evaluated: 2023-05-24. Review status: criteria provided, single submitter. Criteria: Invitae Variant Classification Sherloc (09022015). Collection method: clinical testing. Allele origin: germline.
Comment: This sequence change replaces methionine, which is neutral and non-polar, with leucine, which is neutral and non-polar, at codon 62 of the GALNS protein (p.Met62Leu). This variant is not present in population databases (gnomAD no frequency). This missense change has been observed in individual(s) with mucopolysaccharidosis type IVA (Invitae). ClinVar contains an entry for this variant (Variation ID: 1495053). Advanced modeling of protein sequence and biophysical properties (such as structural, functional, and spatial information, amino acid conservation, physicochemical variation, residue mobility, and thermodynamic stability) performed at Invitae indicates that this missense variant is expected to disrupt GALNS protein function. In summary, the currently available evidence indicates that the variant is pathogenic, but additional data are needed to prove that conclusively. Therefore, this variant has been classified as Likely Pathogenic.

NM_000512.5(GALNS):c.184A>T (p.Met62Leu)

Gene: GALNS (galactosamine (N-acetyl)-6-sulfatase; minus strand). Cytogenetic location: 16q24.3.
Variant type: single nucleotide variant.
Coding change: c.184A>T on transcript NM_000512.5 (MANE Select); coding-DNA position 184, A replaced by T.
Protein change: p.Met62Leu; replaces methionine 62 with leucine.
Molecular consequence: missense variant. On other transcripts: intron variant (1).
Genome position (GRCh38, 1-based): chr16:88,842,766, T>A on the plus strand (A>T on the coding strand, the complement: GALNS is on the minus strand). VCF-style: chr16-88842766-T-A. GRCh37 (hg19) VCF-style: chr16-88909174-T-A.
Other names: c.202A>T, p.Met68Leu (NM_001323544.2); c.-311-795A>T (NM_001323543.2); short protein forms M62L, M68L.
Identifiers: ClinVar variation 1495053 (VCV001495053.6), dbSNP rs1367462378, ClinGen allele CA397091680.